The following is an entry in ClinVar:

NM_014140.4(SMARCAL1):c.1484A>C (p.Gln495Pro)

Gene: SMARCAL1 (SNF2 related chromatin remodeling annealing helicase 1; plus strand). Cytogenetic location: 2q35.
Variant type: single nucleotide variant.
Coding change: c.1484A>C on transcript NM_014140.4 (MANE Select); coding-DNA position 1484, A replaced by C.
Protein change: p.Gln495Pro; replaces glutamine 495 with proline.
Molecular consequence: missense variant.
Genome position (GRCh38, 1-based): chr2:216,432,867, A>C. VCF-style: chr2-216432867-A-C. GRCh37 (hg19) VCF-style: chr2-217297590-A-C.
Other names: c.1484A>C, p.Gln495Pro (NM_001127207.2); short protein forms Q495P.
Identifiers: ClinVar variation 3629948 (VCV003629948.1).
Genomic context (GRCh38, chr2:216,432,867, plus strand): 5'-ACCGGAAGGAGTGGCCGCTCCTGGTGGTGGTGCCATCCTCCGTGCGCTTCACCTGGGAGC[A>C]GGTTAATGGTCTTCAAATTGCAGTTTTCACAGAGAAGGTTTTCTTCAGTGTTAGAGTCAT-3'
Protein context (NP_054859.2, residues 485-505): VPSSVRFTWE[Gln495Pro]AFLRWLPSLS

ClinVar aggregate classification (germline): Uncertain significance (1 of 4 stars; one submission).

gnomAD v4.1: 1 of 1,614,204 alleles (0.000062%); highest among the groups gnomAD compares: East Asian, 0.0022%; no homozygotes.

Submission:

Women's Health and Genetics/Laboratory Corporation of America, LabCorp
Classification: Uncertain significance. Last evaluated: 2024-11-21. Review status: criteria provided, single submitter. Criteria: LabCorp Variant Classification Summary - May 2015. Collection method: clinical testing. Allele origin: germline.
Comment: Variant summary: SMARCAL1 c.1484A>C (p.Gln495Pro) results in a non-conservative amino acid change located in the SNF2-related domain (IPR000330) of the encoded protein sequence. Five of five in-silico tools predict a damaging effect of the variant on protein function. Several computational tools predict a significant impact on normal splicing: Three predict the variant abolishes a 5' splicing donor site. However, these predictions have yet to be confirmed by functional studies. The variant allele was found at a frequency of 4e-06 in 251206 control chromosomes (gnomAD). c.1484A>C has been reported in the literature in individuals affected with Steroid-Resistant Nephrotic Syndrome or Focal Segmental Glomerulosclerosis (Park_2020). These data indicate that the variant may be associated with disease. To our knowledge, no experimental evidence demonstrating an impact on protein function has been reported. The following publication have been ascertained in the context of this evaluation (PMID: 32604935). No submitters have cited clinical-significance assessments for this variant to ClinVar. Based on the evidence outlined above, the variant was classified as VUS-possibly pathogenic.

Literature cited by the submitters: PubMed 32604935.